The following is an entry in ClinVar:

NM_013432.5(TONSL):c.2238C>T (p.Gly746=)

Genes: TONSL (tonsoku like, DNA repair protein; minus strand), TONSL-AS1 (TONSL antisense RNA 1; plus strand). Cytogenetic location: 8q24.3.
Variant type: single nucleotide variant.
Coding change: c.2238C>T on transcript NM_013432.5 (MANE Select); coding-DNA position 2238, C replaced by T.
Protein change: p.Gly746=; no amino-acid change (glycine 746 retained).
Molecular consequence: synonymous variant.
Genome position (GRCh38, 1-based): chr8:144,436,195, G>A on the plus strand (C>T on the coding strand, the complement: TONSL is on the minus strand). VCF-style: chr8-144436195-G-A. GRCh37 (hg19) VCF-style: chr8-145661578-G-A.
Identifiers: ClinVar variation 4696811 (VCV004696811.1).

ClinVar aggregate classification (germline): Uncertain significance (1 of 4 stars; one submission).

gnomAD v4.1: 19 of 1,569,654 alleles (0.0012%); highest among the groups gnomAD compares: Admixed American, 0.0035%; no homozygotes.

Submission:

Labcorp Genetics (formerly Invitae), Labcorp
Classification: Uncertain significance. Last evaluated: 2025-04-09. Review status: criteria provided, single submitter. Criteria: Invitae Variant Classification Sherloc (09022015). Collection method: clinical testing. Allele origin: germline.
Comment: This sequence change affects codon 746 of the TONSL mRNA. It is a 'silent' change, meaning that it does not change the encoded amino acid sequence of the TONSL protein. This variant is present in population databases (rs766583725, gnomAD 0.007%). This variant has not been reported in the literature in individuals affected with TONSL-related conditions. Algorithms developed to predict the effect of sequence changes on RNA splicing suggest that this variant may create or strengthen a splice site. In summary, the available evidence is currently insufficient to determine the role of this variant in disease. Therefore, it has been classified as a Variant of Uncertain Significance.